The following is an entry in ClinVar:

ClinVar aggregate classification (germline): Benign (1 of 4 stars; one submission).

Conditions:
Landau-Kleffner syndrome (FESD). Also called: EPILEPSY, FOCAL, WITH SPEECH DISORDER AND WITH OR WITHOUT MENTAL RETARDATION; APHASIA, ACQUIRED, WITH EPILEPSY. Identifiers: Orphanet 1945, Orphanet 725, Orphanet 98818, MedGen C0282512, MONDO:0009509, OMIM 245570.

Allele frequency attached by ClinVar (database versions not stated): 1000 Genomes Project 30x 0.00234; TOPMed 0.00414; gnomAD 0.00419 and 0.00421; 1000 Genomes Project 0.00140; gnomAD exomes 0.00598.
gnomAD v4.1: 859 of 190,008 alleles (0.45%); highest among the groups gnomAD compares: Non-Finnish European, 0.71%; 2 homozygotes.

Submission:

Illumina Laboratory Services, Illumina
Classification: Benign for Landau-Kleffner syndrome. Last evaluated: 2018-01-13. Review status: criteria provided, single submitter. Criteria: ICSL Variant Classification Criteria 13 December 2019. Collection method: clinical testing. Allele origin: germline.
Comment: This variant was observed in the ICSL laboratory as part of a predisposition screen in an ostensibly healthy population. It had not been previously curated by ICSL or reported in the Human Gene Mutation Database (HGMD: prior to June 1st, 2018), and was therefore a candidate for classification through an automated scoring system. Utilizing variant allele frequency, disease prevalence and penetrance estimates, and inheritance mode, an automated score was calculated to assess if this variant is too frequent to cause the disease. Based on the score and internal cut-off values, a variant classified as benign is not then subjected to further curation. The score for this variant resulted in a classification of benign for this disease.

NM_001134407.3(GRIN2A):c.*6475T>A

Gene: GRIN2A (glutamate ionotropic receptor NMDA type subunit 2A; minus strand). Cytogenetic location: 16p13.2.
Variant type: single nucleotide variant.
Coding change: c.*6475T>A on transcript NM_001134407.3 (MANE Select); 6475 bases downstream of the stop codon, T replaced by A.
Molecular consequence: 3 prime UTR variant.
Genome position (GRCh38, 1-based): chr16:9,756,674, A>T on the plus strand (T>A on the coding strand, the complement: GRIN2A is on the minus strand). VCF-style: chr16-9756674-A-T. GRCh37 (hg19) VCF-style: chr16-9850531-A-T.
Other names: c.*6475T>A (NM_000833.5); c.*6681T>A (NM_001134408.2).
Identifiers: ClinVar variation 321507 (VCV000321507.5), dbSNP rs78377517, ClinGen allele CA10638729.